The following is an entry in ClinVar:

ClinVar aggregate classification (germline): Uncertain significance (1 of 4 stars; one submission).

Submission:

CeGaT Center for Human Genetics Tuebingen
Classification: Uncertain significance. Last evaluated: 2024-04-01. Review status: criteria provided, single submitter. Criteria: CeGaT Center For Human Genetics Tuebingen Variant Classification Criteria Version 2. Collection method: clinical testing. Allele origin: germline. Affected: yes. Observed: 1 variant allele.
Comment: ATP2A2: PM2

NM_170665.4(ATP2A2):c.1282A>C (p.Asn428His)

Gene: ATP2A2 (ATPase sarcoplasmic/endoplasmic reticulum Ca2+ transporting 2; plus strand). Cytogenetic location: 12q24.11.
Variant type: single nucleotide variant.
Coding change: c.1282A>C on transcript NM_170665.4 (MANE Select); coding-DNA position 1282, A replaced by C.
Protein change: p.Asn428His; replaces asparagine 428 with histidine.
Molecular consequence: missense variant.
Genome position (GRCh38, 1-based): chr12:110,333,278, A>C. VCF-style: chr12-110333278-A-C. GRCh37 (hg19) VCF-style: chr12-110771083-A-C.
Other names: c.1177A>C, p.Asn393His (NM_001413013.1); c.1282A>C, p.Asn428His (NM_001413014.1, NM_001681.4); c.907A>C, p.Asn303His (NM_001413015.1); short protein forms N303H, N393H, N428H.
Identifiers: ClinVar variation 3239397 (VCV003239397.19), dbSNP rs2548557325.